The following is an entry in ClinVar:

ClinVar aggregate classification (germline): Uncertain significance (1 of 4 stars; one submission).

Conditions:
Bethlem myopathy 1A. Also called: Bethlem myopathy 1; MYOPATHY, BENIGN CONGENITAL, WITH CONTRACTURES; Bethlem Muscular Dystrophy. Identifiers: Orphanet 610, MedGen CN029274, MONDO:0024530, OMIM 158810.

gnomAD v4.1: 2 of 1,614,176 alleles (0.00012%); highest among the groups gnomAD compares: Admixed American, 0.0017%; no homozygotes.

Submission:

Labcorp Genetics (formerly Invitae), Labcorp
Classification: Uncertain significance for Bethlem myopathy 1A. Last evaluated: 2024-12-24. Review status: criteria provided, single submitter. Criteria: Invitae Variant Classification Sherloc (09022015). Collection method: clinical testing. Allele origin: germline.
Comment: This sequence change replaces aspartic acid, which is acidic and polar, with asparagine, which is neutral and polar, at codon 2163 of the COL6A3 protein (p.Asp2163Asn). This variant is not present in population databases (gnomAD no frequency). This variant has not been reported in the literature in individuals affected with COL6A3-related conditions. Invitae Evidence Modeling of protein sequence and biophysical properties (such as structural, functional, and spatial information, amino acid conservation, physicochemical variation, residue mobility, and thermodynamic stability) indicates that this missense variant is not expected to disrupt COL6A3 protein function with a negative predictive value of 80%. In summary, the available evidence is currently insufficient to determine the role of this variant in disease. Therefore, it has been classified as a Variant of Uncertain Significance.

NM_004369.4(COL6A3):c.6487G>A (p.Asp2163Asn)

Gene: COL6A3 (collagen type VI alpha 3 chain; minus strand). Cytogenetic location: 2q37.3.
Variant type: single nucleotide variant.
Coding change: c.6487G>A on transcript NM_004369.4 (MANE Select); coding-DNA position 6487, G replaced by A.
Protein change: p.Asp2163Asn; replaces aspartic acid 2163 with asparagine.
Molecular consequence: missense variant.
Genome position (GRCh38, 1-based): chr2:237,357,867, C>T on the plus strand (G>A on the coding strand, the complement: COL6A3 is on the minus strand). VCF-style: chr2-237357867-C-T. GRCh37 (hg19) VCF-style: chr2-238266510-C-T.
Other names: c.4666G>A, p.Asp1556Asn (NM_057166.5); c.5869G>A, p.Asp1957Asn (NM_057167.4); short protein forms D1556N, D1957N, D2163N.
Identifiers: ClinVar variation 3613972 (VCV003613972.2).